The following is an entry in ClinVar:

ClinVar aggregate classification (germline): Uncertain significance. Review status: criteria provided, multiple submitters, no conflicts (2 of 4 stars). 3 submissions from 3 submitters: Uncertain significance (3). Last evaluated 2025-11-06.

Conditions:
Inborn genetic diseases. Identifiers: MedGen C0950123, MeSH D030342.

Allele frequency attached by ClinVar (database versions not stated): ExAC 0.00001; gnomAD exomes 0.00001.
gnomAD v4.1: 3 of 1,613,326 alleles (0.00019%); highest among the groups gnomAD compares: South Asian, 0.0011%; no homozygotes.

Submissions (3):

Labcorp Genetics (formerly Invitae), Labcorp
Classification: Uncertain significance. Last evaluated: 2025-11-06. Review status: criteria provided, single submitter. Criteria: Invitae Variant Classification Sherloc (09022015). Collection method: clinical testing. Allele origin: germline.
Comment: This sequence change replaces alanine, which is neutral and non-polar, with threonine, which is neutral and polar, at codon 225 of the DDX41 protein (p.Ala225Thr). This variant is present in population databases (rs773819724, gnomAD 0.002%). This variant has not been reported in the literature in individuals affected with DDX41-related conditions. ClinVar contains an entry for this variant (Variation ID: 2546811). An algorithm developed to predict the effect of missense changes on protein structure and function (PolyPhen-2) suggests that this variant is likely to be disruptive. In summary, the available evidence is currently insufficient to determine the role of this variant in disease. Therefore, it has been classified as a Variant of Uncertain Significance.

Ambry Genetics
Classification: Uncertain significance for Inborn genetic diseases. Last evaluated: 2024-12-14. Review status: criteria provided, single submitter. Criteria: Ambry Variant Classification Scheme 2023. Collection method: clinical testing. Allele origin: germline.
Comment: The p.A225T variant (also known as c.673G>A), located in coding exon 8 of the DDX41 gene, results from a G to A substitution at nucleotide position 673. The alanine at codon 225 is replaced by threonine, an amino acid with similar properties. This amino acid position is conserved. In addition, the in silico prediction for this alteration is inconclusive. Based on the available evidence, the clinical significance of this variant remains unclear.

Blueprint Genetics
Classification: Uncertain significance. Last evaluated: 2024-07-24. Review status: criteria provided, single submitter. Criteria: ACMG Guidelines, 2015. Collection method: clinical testing. Allele origin: germline.

NM_016222.4(DDX41):c.673G>A (p.Ala225Thr)

Gene: DDX41 (DEAD-box helicase 41; minus strand). Cytogenetic location: 5q35.3.
Variant type: single nucleotide variant.
Coding change: c.673G>A on transcript NM_016222.4 (MANE Select); coding-DNA position 673, G replaced by A.
Protein change: p.Ala225Thr; replaces alanine 225 with threonine.
Molecular consequence: missense variant.
Genome position (GRCh38, 1-based): chr5:177,515,041, C>T on the plus strand (G>A on the coding strand, the complement: DDX41 is on the minus strand). VCF-style: chr5-177515041-C-T. GRCh37 (hg19) VCF-style: chr5-176942042-C-T.
Other names: c.295G>A, p.Ala99Thr (NM_001321732.2, NM_001321830.2); short protein forms A99T, A225T.
Identifiers: ClinVar variation 2546811 (VCV002546811.5), dbSNP rs773819724, ClinGen allele CA3585058.